The following is an entry in ClinVar:

NC_000023.10:g.(?_153136492)_(153138172_?)del

Gene: L1CAM (L1 cell adhesion molecule; minus strand). Cytogenetic location: Xq28.
Variant type: Deletion.
Identifiers: ClinVar variation 584375 (VCV000584375.6).

ClinVar aggregate classification (germline): Pathogenic (1 of 4 stars; one submission).

Conditions:
Spastic paraplegia. Identifiers: MedGen C0037772, HP:0001258.

Submission:

Labcorp Genetics (formerly Invitae), Labcorp
Classification: Pathogenic for Spastic paraplegia. Last evaluated: 2021-11-11. Review status: criteria provided, single submitter. Criteria: Invitae Variant Classification Sherloc (09022015). Collection method: clinical testing. Allele origin: germline.
Comment: For these reasons, this variant has been classified as Pathogenic. This variant disrupts a region of the L1CAM protein in which other variant(s) (p.Cys158Tyr) have been determined to be pathogenic (Invitae). This suggests that this is a clinically significant region of the protein, and that variants that disrupt it are likely to be disease-causing. A similar copy number variant has been observed in individual(s) with clinical features of L1CAM-related conditions (Invitae). This variant is a gross deletion of the genomic region encompassing exon(s) 3-5 of the L1CAM gene. This variant would be expected to be in-frame, preserving the integrity of the reading frame.